The following is an entry in ClinVar:

NM_000093.5(COL5A1):c.2661C>A (p.Phe887Leu)

Gene: COL5A1 (collagen type V alpha 1 chain; plus strand). Cytogenetic location: 9q34.3.
Variant type: single nucleotide variant.
Coding change: c.2661C>A on transcript NM_000093.5 (MANE Select); coding-DNA position 2661, C replaced by A.
Protein change: p.Phe887Leu; replaces phenylalanine 887 with leucine.
Molecular consequence: missense variant.
Genome position (GRCh38, 1-based): chr9:134,789,169, C>A. VCF-style: chr9-134789169-C-A. GRCh37 (hg19) VCF-style: chr9-137681015-C-A.
Other names: c.2661C>A, p.Phe887Leu (NM_001278074.1); short protein forms F887L.
Identifiers: ClinVar variation 1203973 (VCV001203973.5), dbSNP rs1424208076, ClinGen allele CA375455770.

ClinVar aggregate classification (germline): Uncertain significance. Review status: criteria provided, multiple submitters, no conflicts (2 of 4 stars). 3 submissions from 3 submitters: Uncertain significance (3). Last evaluated 2026-02-16.

Conditions:
Familial thoracic aortic aneurysm and aortic dissection (TAAD). Also called: Thoracic aortic aneurysms and dissections. Identifiers: Orphanet 91387, MedGen C4707243, MONDO:0019625.

Allele frequency attached by ClinVar (database versions not stated): gnomAD exomes below 0.00001; gnomAD 0.00001; TOPMed 0.00001.
gnomAD v4.1: 2 of 1,612,958 alleles (0.00012%); highest among the groups gnomAD compares: Admixed American, 0.0033%; no homozygotes.

Submissions (3):

Women's Health and Genetics/Laboratory Corporation of America, LabCorp
Classification: Uncertain significance. Last evaluated: 2026-02-16. Review status: criteria provided, single submitter. Criteria: LabCorp Variant Classification Summary - May 2015. Collection method: clinical testing. Allele origin: germline.
Comment: Variant summary: COL5A1 c.2661C>A (p.Phe887Leu) results in a non-conservative amino acid change in the encoded protein sequence. Algorithms developed to predict the effect of missense changes on protein structure and function all suggest that this variant is likely to be disruptive. The variant allele was found at a frequency of 4e-06 in 250044 control chromosomes. The available data on variant occurrences in the general population are insufficient to allow any conclusion about variant significance. To our knowledge, no occurrence of c.2661C>A in individuals affected with COL5A1-related conditions and no experimental evidence demonstrating its impact on protein function have been reported. ClinVar contains an entry for this variant (Variation ID: 1203973). Based on the evidence outlined above, the variant was classified as uncertain significance.

Ambry Genetics
Classification: Uncertain significance for Familial thoracic aortic aneurysm and aortic dissection. Last evaluated: 2025-04-23. Review status: criteria provided, single submitter. Criteria: Ambry Variant Classification Scheme 2023. Collection method: clinical testing. Allele origin: germline.
Comment: The p.F887L variant (also known as c.2661C>A), located in coding exon 32 of the COL5A1 gene, results from a C to A substitution at nucleotide position 2661. The phenylalanine at codon 887 is replaced by leucine, an amino acid with highly similar properties. This amino acid position is highly conserved in available vertebrate species. In addition, the in silico prediction for this alteration is inconclusive. Based on the available evidence, the clinical significance of this variant remains unclear.

GeneDx
Classification: Uncertain significance. Last evaluated: 2019-12-06. Review status: criteria provided, single submitter. Criteria: GeneDx Variant Classification Process June 2021. Collection method: clinical testing. Allele origin: germline. Affected: yes.
Comment: Has not been previously published as pathogenic or benign to our knowledge; Not observed at a significant frequency in large population cohorts (Lek et al., 2016); In silico analysis, which includes protein predictors and evolutionary conservation, supports a deleterious effect; Occurs in the triple helical domain at the X position in the canonical Gly-X-Y repeat; although this variant may have an effect on normal protein folding and function, missense substitution at the X position is not a common mechanism of disease (Symoens et al., 2012; Stenson et al., 2014)